The following is an entry in ClinVar:

ClinVar aggregate classification (germline): Uncertain significance (1 of 4 stars; one submission).

Conditions:
Primary ciliary dyskinesia. Also called: Ciliary dyskinesia. Identifiers: Orphanet 244, MedGen C0008780, MONDO:0016575, HP:0012265.

Submission:

Ambry Genetics
Classification: Uncertain significance for Primary ciliary dyskinesia. Last evaluated: 2021-10-13. Review status: criteria provided, single submitter. Criteria: Ambry Variant Classification Scheme 2023. Collection method: clinical testing. Allele origin: germline.
Comment: The p.L3733P variant (also known as c.11198T>C), located in coding exon 65 of the DNAH5 gene, results from a T to C substitution at nucleotide position 11198. The leucine at codon 3733 is replaced by proline, an amino acid with similar properties. This amino acid position is conserved. In addition, this alteration is predicted to be deleterious by in silico analysis. Since supporting evidence is limited at this time, the clinical significance of this alteration remains unclear.

NM_001369.3(DNAH5):c.11198T>C (p.Leu3733Pro)

Gene: DNAH5 (dynein axonemal heavy chain 5; minus strand). Cytogenetic location: 5p15.2.
Variant type: single nucleotide variant.
Coding change: c.11198T>C on transcript NM_001369.3 (MANE Select); coding-DNA position 11198, T replaced by C.
Protein change: p.Leu3733Pro; replaces leucine 3733 with proline.
Molecular consequence: missense variant.
Genome position (GRCh38, 1-based): chr5:13,751,091, A>G on the plus strand (T>C on the coding strand, the complement: DNAH5 is on the minus strand). VCF-style: chr5-13751091-A-G. GRCh37 (hg19) VCF-style: chr5-13751200-A-G.
Other names: short protein forms L3733P.
Identifiers: ClinVar variation 1796914 (VCV001796914.2), dbSNP rs2546608031, ClinGen allele CA359188830.